The following is an entry in ClinVar:

NM_005051.3(QARS1):c.2111del (p.Pro704fs)

Gene: QARS1 (glutaminyl-tRNA synthetase 1; minus strand). Cytogenetic location: 3p21.31.
Variant type: Deletion.
Coding change: c.2111del on transcript NM_005051.3 (MANE Select); coding-DNA position 2111, one base deleted (C; older notation c.2111delC).
Protein change: p.Pro704fs; shifts the reading frame from proline 704.
Molecular consequence: frameshift variant. On other transcripts: non-coding transcript variant (1).
Genome position (GRCh38, 1-based): chr3:49,098,232, G deleted on the plus strand (C on the coding strand, the reverse complement: QARS1 is on the minus strand); the first of 2 consecutive G bases (chr3:49,098,232-49,098,233); deleting either gives the same sequence. VCF-style (leftmost placement, unchanged base first): chr3-49098231-AG-A. GRCh37 (hg19) VCF-style: chr3-49135664-AG-A.
Other names: c.2078del, p.Pro693fs (NM_001272073.2); c.2111delC (NM_005051.3); short protein forms P693fs, P704fs.
Identifiers: ClinVar variation 4853005 (VCV004853005.1).
Genomic context (GRCh38, chr3:49,098,231, plus strand): 5'-CCCCAAACCTCATGAACCTACCAGGTTCAGGTCACTTAAAAATCCACCAGGCACCTCAGT[AG>A]GATCTTCAGGGTTCTTGTGCTGGAATCTGCAGCCAAAGTGAAGGTCATACCCCCAGCTGG-3'

ClinVar aggregate classification (germline): Pathogenic (1 of 4 stars; one submission).

Conditions:
Diffuse cerebral and cerebellar atrophy - intractable seizures - progressive microcephaly syndrome. Also called: Microcephaly, progressive, with seizures and cerebral and cerebellar atrophy. Identifiers: Orphanet 404437, MedGen C4014239, MONDO:0014335, OMIM 615760.

Submission:

Women's Health and Genetics/Laboratory Corporation of America, LabCorp
Classification: Pathogenic for Diffuse cerebral and cerebellar atrophy - intractable seizures - progressive microcephaly syndrome. Last evaluated: 2026-05-18. Review status: criteria provided, single submitter. Criteria: LabCorp Variant Classification Summary - May 2015. Collection method: clinical testing. Allele origin: germline.
Comment: Variant summary: QARS1 c.2111delC (p.Pro704LeufsX9) results in a premature termination codon, predicted to cause a truncation of the encoded protein or absence of the protein due to nonsense mediated decay, which are commonly known mechanisms for disease. The variant was absent in 1614148 control chromosomes. To our knowledge, no occurrence of c.2111delC in individuals affected with QARS1-related conditions and no experimental evidence demonstrating its impact on protein function have been reported. No submitters have cited clinical-significance assessments for this variant to ClinVar. Based on the evidence outlined above, the variant was classified as pathogenic.